The following is an entry in ClinVar:

NC_000001.10:g.(?_29542497)_(29543217_?)del

Gene: MECR (mitochondrial trans-2-enoyl-CoA reductase; minus strand). Cytogenetic location: 1p35.3.
Variant type: Deletion.
Identifiers: ClinVar variation 3248005 (VCV003248005.1).

ClinVar aggregate classification (germline): Pathogenic (1 of 4 stars; one submission).

Submission:

Labcorp Genetics (formerly Invitae), Labcorp
Classification: Pathogenic. Last evaluated: 2023-03-14. Review status: criteria provided, single submitter. Criteria: Invitae Variant Classification Sherloc (09022015). Collection method: clinical testing. Allele origin: unknown.
Comment: For these reasons, this variant has been classified as Pathogenic. This variant has not been reported in the literature in individuals affected with MECR-related conditions. This variant is a gross deletion of the genomic region encompassing exon(s) 2-3 of the MECR gene. This deletion is out-of-frame, and is expected to create a premature termination codon and result in an absent or disrupted protein product. Loss-of-function variants in MECR are known to be pathogenic (PMID: 27817865).

Literature cited by the submitters: PubMed 27817865.